The following is an entry in ClinVar:

ClinVar aggregate classification (germline): Uncertain significance (1 of 4 stars; one submission).

Conditions:
Peroxisome biogenesis disorder, complementation group 7 (CG7). Also called: Peroxisome biogenesis disorder, complementation group B. Identifiers: MedGen C1864399.

Allele frequency attached by ClinVar (database versions not stated): ExAC 0.00001; gnomAD 0.00001; gnomAD exomes 0.00001.
gnomAD v4.1: 11 of 1,613,224 alleles (0.00068%); highest among the groups gnomAD compares: South Asian, 0.0022%; no homozygotes.

Submission:

Labcorp Genetics (formerly Invitae), Labcorp
Classification: Uncertain significance for Peroxisome biogenesis disorder, complementation group 7. Last evaluated: 2024-10-23. Review status: criteria provided, single submitter. Criteria: Invitae Variant Classification Sherloc (09022015). Collection method: clinical testing. Allele origin: germline.
Comment: This sequence change replaces glutamic acid, which is acidic and polar, with lysine, which is basic and polar, at codon 299 of the PEX10 protein (p.Glu299Lys). This variant is present in population databases (rs62641225, gnomAD 0.003%). This variant has not been reported in the literature in individuals affected with PEX10-related conditions. ClinVar contains an entry for this variant (Variation ID: 1493137). An algorithm developed to predict the effect of missense changes on protein structure and function (PolyPhen-2) suggests that this variant is likely to be tolerated. In summary, the available evidence is currently insufficient to determine the role of this variant in disease. Therefore, it has been classified as a Variant of Uncertain Significance.

NM_002617.4(PEX10):c.835G>A (p.Glu279Lys)

Gene: PEX10 (peroxisomal biogenesis factor 10; minus strand). Cytogenetic location: 1p36.32.
Variant type: single nucleotide variant.
Coding change: c.835G>A on transcript NM_002617.4 (MANE Select); coding-DNA position 835, G replaced by A.
Protein change: p.Glu279Lys; replaces glutamic acid 279 with lysine.
Molecular consequence: missense variant. On other transcripts: non-coding transcript variant (1).
Genome position (GRCh38, 1-based): chr1:2,406,561, C>T on the plus strand (G>A on the coding strand, the complement: PEX10 is on the minus strand). VCF-style: chr1-2406561-C-T. GRCh37 (hg19) VCF-style: chr1-2338000-C-T.
Other names: c.892G>A, p.Glu298Lys (NM_001374425.1); c.460G>A, p.Glu154Lys (NM_001374426.1); c.403G>A, p.Glu135Lys (NM_001374427.1); c.895G>A, p.Glu299Lys (NM_153818.2); short protein forms E279K, E298K, E299K, E135K, E154K.
Identifiers: ClinVar variation 1493137 (VCV001493137.7), dbSNP rs62641225, ClinGen allele CA537999.